The following is an entry in ClinVar:

ClinVar aggregate classification (germline): Uncertain significance. Review status: criteria provided, multiple submitters, no conflicts (2 of 4 stars). 4 submissions from 4 submitters: Uncertain significance (4). Last evaluated 2024-12-05.

Conditions:
Hereditary nonpolyposis colorectal neoplasms. Identifiers: MedGen C0009405, MeSH D003123.
Hereditary cancer-predisposing syndrome. Also called: Neoplastic Syndromes, Hereditary; Hereditary Cancer Syndrome; Tumor predisposition; Hereditary neoplastic syndrome. Identifiers: Orphanet 140162, MedGen C0027672, MeSH D009386, MONDO:0015356.

gnomAD v4.1: 1 of 1,614,094 alleles (0.000062%); highest among the groups gnomAD compares: Non-Finnish European, 0.000085%; no homozygotes.

Submissions (4):

Ambry Genetics
Classification: Uncertain significance for Hereditary cancer-predisposing syndrome. Last evaluated: 2024-12-05. Review status: criteria provided, single submitter. Criteria: Ambry Variant Classification Scheme 2023. Collection method: clinical testing. Allele origin: germline.
Comment: The p.G1093V variant (also known as c.3278G>T), located in coding exon 5 of the MSH6 gene, results from a G to T substitution at nucleotide position 3278. The glycine at codon 1093 is replaced by valine, an amino acid with dissimilar properties. This amino acid position is well conserved in available vertebrate species. In addition, this alteration is predicted to be deleterious by in silico analysis. Based on the available evidence, the clinical significance of this variant remains unclear.

Labcorp Genetics (formerly Invitae), Labcorp
Classification: Uncertain significance for Hereditary nonpolyposis colorectal neoplasms. Last evaluated: 2024-11-03. Review status: criteria provided, single submitter. Criteria: Invitae Variant Classification Sherloc (09022015). Collection method: clinical testing. Allele origin: germline.
Comment: This sequence change replaces glycine, which is neutral and non-polar, with valine, which is neutral and non-polar, at codon 1093 of the MSH6 protein (p.Gly1093Val). This variant is not present in population databases (gnomAD no frequency). This missense change has been observed in individual(s) with breast cancer and uterine cancer (PMID: 34326862). ClinVar contains an entry for this variant (Variation ID: 234492). Invitae Evidence Modeling of protein sequence and biophysical properties (such as structural, functional, and spatial information, amino acid conservation, physicochemical variation, residue mobility, and thermodynamic stability) indicates that this missense variant is not expected to disrupt MSH6 protein function with a negative predictive value of 95%. In summary, the available evidence is currently insufficient to determine the role of this variant in disease. Therefore, it has been classified as a Variant of Uncertain Significance.

Blueprint Genetics
Classification: Uncertain significance. Last evaluated: 2019-11-29. Review status: criteria provided, single submitter. Criteria: ACMG Guidelines, 2015. Collection method: clinical testing. Allele origin: germline.

GeneDx
Classification: Uncertain significance. Last evaluated: 2016-07-07. Review status: criteria provided, single submitter. Criteria: GeneDx Variant Classification (06012015). Collection method: clinical testing. Allele origin: germline. Affected: yes.
Comment: This variant is denoted MSH6 c.3278G>T at the cDNA level, p.Gly1093Val (G1093V) at the protein level, and results in the change of a Glycine to a Valine (GGA>GTA). This variant has not, to our knowledge, been published in the literature as pathogenic or benign. MSH6 Gly1093Val was not observed in approximately 6,500 individuals of European and African American ancestry in the NHLBI Exome Sequencing Project, indicating it is not a common benign variant in these populations. Since Glycine and Valine share similar properties, this is considered a conservative amino acid substitution. MSH6 Gly1093Val occurs at a position that is conserved in mammals and is located in MutS domain V (Terui 2013). In silico analyses are inconsistent regarding the effect this variant may have on protein structure and function. Based on currently available information, it is unclear whether MSH6 Gly1093Val is pathogenic or benign. We consider it to be a variant of uncertain significance.

Literature cited by the submitters: PubMed 34326862 (cited by Labcorp Genetics (formerly Invitae), Labcorp).

NM_000179.3(MSH6):c.3278G>T (p.Gly1093Val)

Gene: MSH6 (mutS homolog 6; plus strand). Cytogenetic location: 2p16.3.
Variant type: single nucleotide variant.
Coding change: c.3278G>T on transcript NM_000179.3 (MANE Select); coding-DNA position 3278, G replaced by T.
Protein change: p.Gly1093Val; replaces glycine 1093 with valine.
Molecular consequence: missense variant.
Genome position (GRCh38, 1-based): chr2:47,803,525, G>T. VCF-style: chr2-47803525-G-T. GRCh37 (hg19) VCF-style: chr2-48030664-G-T.
Other names: c.2888G>T, p.Gly963Val (NM_001281492.2); c.2372G>T, p.Gly791Val (NM_001281493.2, NM_001281494.2); short protein forms G1093V, G963V, G791V.
Identifiers: ClinVar variation 234492 (VCV000234492.11), dbSNP rs876661048, ClinGen allele CA10577288.